The following is an entry in ClinVar:

NM_000264.5(PTCH1):c.434A>T (p.Gln145Leu)

Gene: PTCH1 (patched 1; minus strand). Cytogenetic location: 9q22.32.
Variant type: single nucleotide variant.
Coding change: c.434A>T on transcript NM_000264.5 (MANE Select); coding-DNA position 434, A replaced by T.
Protein change: p.Gln145Leu; replaces glutamine 145 with leucine.
Molecular consequence: missense variant. On other transcripts: 5 prime UTR variant (4), non-coding transcript variant (1).
Genome position (GRCh38, 1-based): chr9:95,485,835, T>A on the plus strand (A>T on the coding strand, the complement: PTCH1 is on the minus strand). VCF-style: chr9-95485835-T-A. GRCh37 (hg19) VCF-style: chr9-98248117-T-A.
Other names: c.236A>T, p.Gln79Leu (NM_001083602.3, NM_001354919.2); c.431A>T, p.Gln144Leu (NM_001083603.3); c.-20A>T (NM_001083604.3, NM_001083605.3, NM_001083606.3 and 1 more transcripts); c.434A>T, p.Gln145Leu (NM_001354918.2); short protein forms Q79L, Q144L, Q145L.
Identifiers: ClinVar variation 4146907 (VCV004146907.1).
Genomic context (GRCh38, chr9:95,485,835, plus strand): 5'-TCTTCTTTAGGGGTCTGTATCATGAGTTGAGGATTAAACATAGCCTCTTCTCCAATCTTC[T>A]GGCGAGTATAATTTAATTCACGACTTACTCGTCCTCCAACTGACAAATATGTACAGGTTT-3'
Protein context (NP_000255.2, residues 135-155): RVSRELNYTR[Gln145Leu]KIGEEAMFNP

ClinVar aggregate classification (germline): Uncertain significance (1 of 4 stars; one submission).

Conditions:
Hereditary cancer-predisposing syndrome. Also called: Hereditary neoplastic syndrome; Neoplastic Syndromes, Hereditary; Tumor predisposition; Hereditary Cancer Syndrome. Identifiers: Orphanet 140162, MedGen C0027672, MeSH D009386, MONDO:0015356.

Submission:

Ambry Genetics
Classification: Uncertain significance for Hereditary cancer-predisposing syndrome. Last evaluated: 2025-09-06. Review status: criteria provided, single submitter. Criteria: Ambry Variant Classification Scheme 2023. Collection method: clinical testing. Allele origin: germline.
Comment: The p.Q145L variant (also known as c.434A>T), located in coding exon 3 of the PTCH1 gene, results from an A to T substitution at nucleotide position 434. The glutamine at codon 145 is replaced by leucine, an amino acid with dissimilar properties. This amino acid position is conserved. In addition, the in silico prediction for this alteration is inconclusive. Based on the available evidence, the clinical significance of this variant remains unclear.